The following is an entry in ClinVar:

ClinVar aggregate classification (germline): Likely benign. Review status: reviewed by expert panel (3 of 4 stars). 3 submissions from 3 submitters: Likely benign (1). 2 of the submissions do not count toward it. Last evaluated 2017-06-29.

Conditions:
Hereditary cancer-predisposing syndrome. Also called: Neoplastic Syndromes, Hereditary; Tumor predisposition; Hereditary Cancer Syndrome; Hereditary neoplastic syndrome. Identifiers: Orphanet 140162, MedGen C0027672, MeSH D009386, MONDO:0015356.
Breast-ovarian cancer, familial, susceptibility to, 2 (BROVCA2). Also called: BRCA2 Hereditary Breast and Ovarian Cancer. Identifiers: Orphanet 145, MedGen C2675520, MONDO:0012933, OMIM 612555. Disease mechanism: loss of function.

Submissions (3):

Evidence-based Network for the Interpretation of Germline Mutant Alleles (ENIGMA)
Classification: Likely benign for Breast-ovarian cancer, familial, susceptibility to, 2. Last evaluated: 2017-06-29. Review status: reviewed by expert panel. Criteria: ENIGMA BRCA1/2 Classification Criteria (2017-06-29). Collection method: curation. Allele origin: germline.
Comment: Synonymous substitution variant, with low bioinformatic likelihood to result in a splicing aberration (Splicing prior probability 0.02).

Ambry Genetics
Classification: Likely benign for Hereditary cancer-predisposing syndrome. Last evaluated: 2020-09-20. Review status: criteria provided, single submitter. Criteria: Ambry Variant Classification Scheme 2023. Collection method: clinical testing. Allele origin: germline. Not counted in ClinVar's aggregate classification.

Breast Cancer Information Core (BIC) (BRCA2)
Classification: Uncertain significance for Breast-ovarian cancer, familial 2. Last evaluated: 2010-01-28. Review status: no assertion criteria provided. Collection method: clinical testing. Allele origin: germline. Affected: yes. Observed: 1 variant allele. Not counted in ClinVar's aggregate classification.

Literature cited by the submitters: PubMed 10978364 (cited by Breast Cancer Information Core (BIC) (BRCA2)).

NM_000059.4(BRCA2):c.1959A>G (p.Glu653=)

Gene: BRCA2 (BRCA2 DNA repair associated; plus strand). Cytogenetic location: 13q13.1.
Variant type: single nucleotide variant.
Coding change: c.1959A>G on transcript NM_000059.4 (MANE Select); coding-DNA position 1959, A replaced by G.
Protein change: p.Glu653=; no amino-acid change (glutamic acid 653 retained).
Molecular consequence: synonymous variant.
Genome position (GRCh38, 1-based): chr13:32,336,314, A>G. VCF-style: chr13-32336314-A-G. GRCh37 (hg19) VCF-style: chr13-32910451-A-G.
Other names: I729M.
Identifiers: ClinVar variation 51232 (VCV000051232.5), dbSNP rs276174817, ClinGen allele CA014014.